The following is an entry in ClinVar:

ClinVar aggregate classification (germline): Pathogenic/Likely pathogenic. Review status: criteria provided, multiple submitters, no conflicts (2 of 4 stars). 2 submissions from 2 submitters: Pathogenic (1); Likely pathogenic (1). Last evaluated 2025-01-29.

Conditions:
Alport syndrome. Also called: Hemorrhagic familial nephritis; Hemorrhagic hereditary nephritis; Congenital hereditary hematuria. Identifiers: Orphanet 63, MedGen C1567741, MONDO:0018965.
COL4A4-related disorder.

gnomAD v4.1: 4 of 1,610,338 alleles (0.00025%); highest among the groups gnomAD compares: Non-Finnish European, 0.00034%; no homozygotes.

Submissions (2):

Myriad Genetics, Inc.
Classification: Pathogenic for Alport syndrome. Last evaluated: 2025-01-29. Review status: criteria provided, single submitter. Criteria: Myriad Autosomal Dominant, Autosomal Recessive and X-Linked Classification Criteria (2023). Collection method: clinical testing. Allele origin: unknown.
Comment: NM_000092.4(COL4A4):c.2116A>T(K706*) is expected to be pathogenic in the context of Alport syndrome, COL4A4-related. This variant is predicted to lead to an abnormal or absent protein product due to the creation of a premature termination codon in COL4A4, a gene where loss-of-function variants are known to be pathogenic. Please note: this variant was assessed in the context of healthy population screening.

Blueprint Genetics
Classification: Likely pathogenic for COL4A4-related disorders. Last evaluated: 2022-04-28. Review status: criteria provided, single submitter. Criteria: ACMG Guidelines, 2015. Collection method: clinical testing. Allele origin: germline. Affected: yes. Observed: 1 variant allele.

NM_000092.5(COL4A4):c.2116A>T (p.Lys706Ter)

Gene: COL4A4 (collagen type IV alpha 4 chain; minus strand). Cytogenetic location: 2q36.3.
Variant type: single nucleotide variant.
Coding change: c.2116A>T on transcript NM_000092.5 (MANE Select); coding-DNA position 2116, A replaced by T.
Protein change: p.Lys706Ter; replaces lysine 706 with a stop codon.
Molecular consequence: nonsense.
Genome position (GRCh38, 1-based): chr2:227,060,184, T>A on the plus strand (A>T on the coding strand, the complement: COL4A4 is on the minus strand). VCF-style: chr2-227060184-T-A. GRCh37 (hg19) VCF-style: chr2-227924900-T-A.
Other names: short protein forms K706*.
Identifiers: ClinVar variation 4960273 (VCV004960273.2).